The following is an entry in ClinVar:

ClinVar aggregate classification (germline): Uncertain significance (1 of 4 stars; one submission).

Submission:

Labcorp Genetics (formerly Invitae), Labcorp
Classification: Uncertain significance. Last evaluated: 2024-07-20. Review status: criteria provided, single submitter. Criteria: Invitae Variant Classification Sherloc (09022015). Collection method: clinical testing. Allele origin: germline.
Comment: This sequence change replaces tyrosine, which is neutral and polar, with cysteine, which is neutral and slightly polar, at codon 234 of the ARID1B protein (p.Tyr234Cys). This variant is not present in population databases (gnomAD no frequency). This variant has not been reported in the literature in individuals affected with ARID1B-related conditions. Experimental studies and prediction algorithms are not available or were not evaluated, and the functional significance of this variant is currently unknown. In summary, the available evidence is currently insufficient to determine the role of this variant in disease. Therefore, it has been classified as a Variant of Uncertain Significance.

NM_001374828.1(ARID1B):c.950A>G (p.Tyr317Cys)

Genes: ARID1B (AT-rich interaction domain 1B; plus strand), LOC129997525 (ATAC-STARR-seq lymphoblastoid silent region 17712; plus strand). Cytogenetic location: 6q25.3.
Variant type: single nucleotide variant.
Coding change: c.950A>G on transcript NM_001374828.1 (MANE Select); coding-DNA position 950, A replaced by G.
Protein change: p.Tyr317Cys; replaces tyrosine 317 with cysteine.
Molecular consequence: missense variant.
Genome position (GRCh38, 1-based): chr6:156,778,630, A>G. VCF-style: chr6-156778630-A-G. GRCh37 (hg19) VCF-style: chr6-157099764-A-G.
Other names: c.950A>G, p.Tyr317Cys (NM_001371656.1, NM_001374820.1, NM_017519.3); short protein forms Y317C.
Identifiers: ClinVar variation 3709719 (VCV003709719.2).
Genomic context (GRCh38, chr6:156,778,630, plus strand): 5'-CGGTCGCCGTGCCCGGGGGCGGCGGCGGCCCGGCGGCCGTCCCGGAGTTTAATAATTACT[A>G]TGGCAGCGCTGCCCCTGCGAGCGGCGGCCCCGGCGGCCGCGCTGGGCCTTGCTTTGATCA-3'
Protein context (NP_001361757.1, residues 307-327): PAAVPEFNNY[Tyr317Cys]GSAAPASGGP